The following is an entry in ClinVar:

NM_001291303.3(FAT4):c.2913G>T (p.Met971Ile)

Gene: FAT4 (FAT atypical cadherin 4; plus strand). Cytogenetic location: 4q28.1.
Variant type: single nucleotide variant.
Coding change: c.2913G>T on transcript NM_001291303.3 (MANE Select); coding-DNA position 2913, G replaced by T.
Protein change: p.Met971Ile; replaces methionine 971 with isoleucine.
Molecular consequence: missense variant. On other transcripts: intron variant (1).
Genome position (GRCh38, 1-based): chr4:125,319,324, G>T. VCF-style: chr4-125319324-G-T. GRCh37 (hg19) VCF-style: chr4-126240479-G-T.
Other names: c.2913G>T, p.Met971Ile (NM_001291285.3, NM_001438396.1, NM_001438397.1 and 1 more transcripts); c.-55+3347G>T (NM_001437895.1); short protein forms M971I.
Identifiers: ClinVar variation 4726243 (VCV004726243.1).

ClinVar aggregate classification (germline): Uncertain significance (1 of 4 stars; one submission).

gnomAD v4.1: 4 of 1,613,864 alleles (0.00025%); highest among the groups gnomAD compares: Non-Finnish European, 0.00034%; no homozygotes.

Submission:

Labcorp Genetics (formerly Invitae), Labcorp
Classification: Uncertain significance. Last evaluated: 2025-07-09. Review status: criteria provided, single submitter. Criteria: Invitae Variant Classification Sherloc (09022015). Collection method: clinical testing. Allele origin: germline.
Comment: This sequence change replaces methionine, which is neutral and non-polar, with isoleucine, which is neutral and non-polar, at codon 971 of the FAT4 protein (p.Met971Ile). This variant is not present in population databases (gnomAD no frequency). This variant has not been reported in the literature in individuals affected with FAT4-related conditions. Invitae Evidence Modeling of protein sequence and biophysical properties (such as structural, functional, and spatial information, amino acid conservation, physicochemical variation, residue mobility, and thermodynamic stability) indicates that this missense variant is not expected to disrupt FAT4 protein function with a negative predictive value of 80%. In summary, the available evidence is currently insufficient to determine the role of this variant in disease. Therefore, it has been classified as a Variant of Uncertain Significance.